The following is an entry in ClinVar:

NM_013447.4(ADGRE2):c.2256G>A (p.Val752=)

Gene: ADGRE2 (adhesion G protein-coupled receptor E2; minus strand). Cytogenetic location: 19p13.12.
Variant type: single nucleotide variant.
Coding change: c.2256G>A on transcript NM_013447.4 (MANE Select); coding-DNA position 2256, G replaced by A.
Protein change: p.Val752=; no amino-acid change (valine 752 retained).
Molecular consequence: synonymous variant.
Genome position (GRCh38, 1-based): chr19:14,743,712, C>T on the plus strand (G>A on the coding strand, the complement: ADGRE2 is on the minus strand). VCF-style: chr19-14743712-C-T. GRCh37 (hg19) VCF-style: chr19-14854524-C-T.
Other names: c.2082G>A, p.Val694= (NM_001271052.1); c.2109G>A, p.Val703= (NM_152916.2); c.1977G>A, p.Val659= (NM_152917.2).
Identifiers: ClinVar variation 4750819 (VCV004750819.1).

ClinVar aggregate classification (germline): Uncertain significance (1 of 4 stars; one submission).

gnomAD v4.1: 22 of 1,614,160 alleles (0.0014%); highest among the groups gnomAD compares: Non-Finnish European, 0.0019%; no homozygotes.

Submission:

Labcorp Genetics (formerly Invitae), Labcorp
Classification: Uncertain significance. Last evaluated: 2025-10-12. Review status: criteria provided, single submitter. Criteria: Invitae Variant Classification Sherloc (09022015). Collection method: clinical testing. Allele origin: germline.
Comment: This sequence change affects codon 752 of the ADGRE2 mRNA. It is a 'silent' change, meaning that it does not change the encoded amino acid sequence of the ADGRE2 protein. This variant is not present in population databases (gnomAD no frequency). This variant has not been reported in the literature in individuals affected with ADGRE2-related conditions. Algorithms developed to predict the effect of sequence changes on RNA splicing suggest that this variant may create or strengthen a splice site. In summary, the available evidence is currently insufficient to determine the role of this variant in disease. Therefore, it has been classified as a Variant of Uncertain Significance.